The following is an entry in ClinVar:

ClinVar aggregate classification (germline): Uncertain significance (1 of 4 stars; one submission).

Submission:

GeneDx
Classification: Uncertain significance. Last evaluated: 2025-04-08. Review status: criteria provided, single submitter. Criteria: GeneDx Variant Classification Process June 2021. Collection method: clinical testing. Allele origin: germline. Affected: yes.
Comment: Not observed at significant frequency in large population cohorts (gnomAD); In silico analysis indicates that this missense variant does not alter protein structure/function; Has not been previously published as pathogenic or benign to our knowledge

NM_001429.4(EP300):c.7098C>A (p.Ser2366Arg)

Gene: EP300 (EP300 lysine acetyltransferase; plus strand). Cytogenetic location: 22q13.2.
Variant type: single nucleotide variant.
Coding change: c.7098C>A on transcript NM_001429.4 (MANE Select); coding-DNA position 7098, C replaced by A.
Protein change: p.Ser2366Arg; replaces serine 2366 with arginine.
Molecular consequence: missense variant.
Genome position (GRCh38, 1-based): chr22:41,178,809, C>A. VCF-style: chr22-41178809-C-A. GRCh37 (hg19) VCF-style: chr22-41574813-C-A.
Other names: c.7020C>A, p.Ser2340Arg (NM_001362843.2); short protein forms S2340R, S2366R.
Identifiers: ClinVar variation 4281789 (VCV004281789.1).